The following is an entry in ClinVar:

ClinVar aggregate classification (germline): Pathogenic (1 of 4 stars; one submission).

Conditions:
PHGDH deficiency. Identifiers: Orphanet 79351, MedGen C1866174, MONDO:0011152, OMIM 601815.

Submission:

Labcorp Genetics (formerly Invitae), Labcorp
Classification: Pathogenic for PHGDH deficiency. Last evaluated: 2022-06-08. Review status: criteria provided, single submitter. Criteria: Invitae Variant Classification Sherloc (09022015). Collection method: clinical testing. Allele origin: germline.
Comment: For these reasons, this variant has been classified as Pathogenic. This variant disrupts a region of the PHGDH protein in which other variant(s) (p.Thr480*) have been determined to be pathogenic (Invitae). This suggests that this is a clinically significant region of the protein, and that variants that disrupt it are likely to be disease-causing. This variant has not been reported in the literature in individuals affected with PHGDH-related conditions. This variant is not present in population databases (gnomAD no frequency). This sequence change creates a premature translational stop signal (p.Ala412Leufs*72) in the PHGDH gene. While this is not anticipated to result in nonsense mediated decay, it is expected to disrupt the last 122 amino acid(s) of the PHGDH protein.

NM_006623.4(PHGDH):c.1228_1232dup (p.Ala412fs)

Gene: PHGDH (phosphoglycerate dehydrogenase; plus strand). Cytogenetic location: 1p12.
Variant type: Duplication.
Coding change: c.1228_1232dup on transcript NM_006623.4 (MANE Select); coding-DNA positions 1228 to 1232, 5 bases duplicated (CCTGC; older notation c.1228_1232dupCCTGC).
Protein change: p.Ala412fs; shifts the reading frame from alanine 412.
Molecular consequence: frameshift variant.
Genome position (GRCh38, 1-based): chr1:119,742,825-119,742,829, CCTGC duplicated; duplicating any 5 consecutive bases within chr1:119,742,823-119,742,829 gives the same sequence; the c. name uses the placement nearest the transcript's 3' end. VCF-style (leftmost placement, unchanged base first): chr1-119742822-A-AGCCCT. GRCh37 (hg19) VCF-style: chr1-120285445-A-AGCCCT.
Other names: short protein forms A412fs.
Identifiers: ClinVar variation 1458004 (VCV001458004.8), dbSNP rs1215699403, ClinGen allele CA886288482.
Genomic context (GRCh38, chr1:119,742,822, plus strand): 5'-GGTGCAGCCAGGAGGTGTAACAGTCACCTTGCCTTCTCCACACAGGTCACCACCTCCCAC[A>AGCCCT]GCCCTGCTGCACCAGGGGAGCAAGGCTTCGGGGAATGCCTCCTGGCCGTGGCCCTGGCAG-3'